The following is an entry in ClinVar:

NM_001288705.3(CSF1R):c.1492T>C (p.Phe498Leu)

Gene: CSF1R (colony stimulating factor 1 receptor; minus strand). Cytogenetic location: 5q32.
Variant type: single nucleotide variant.
Coding change: c.1492T>C on transcript NM_001288705.3 (MANE Select); coding-DNA position 1492, T replaced by C.
Protein change: p.Phe498Leu; replaces phenylalanine 498 with leucine.
Molecular consequence: missense variant. On other transcripts: non-coding transcript variant (2).
Genome position (GRCh38, 1-based): chr5:150,069,891, A>G on the plus strand (T>C on the coding strand, the complement: CSF1R is on the minus strand). VCF-style: chr5-150069891-A-G. GRCh37 (hg19) VCF-style: chr5-149449454-A-G.
Other names: c.1492T>C, p.Phe498Leu (NM_001349736.2, NM_001375320.1, NM_005211.4); c.1048T>C, p.Phe350Leu (NM_001375321.1); short protein forms F350L, F498L.
Identifiers: ClinVar variation 2630575 (VCV002630575.1), dbSNP rs1352617253, ClinGen allele CA361719610.

ClinVar aggregate classification (germline): Uncertain significance (1 of 4 stars; one submission).

Conditions:
CSF1R-related disorder. Also called: CSF1R-related condition. Identifiers: MedGen CN379780, MONDO:0100632.

Allele frequency attached by ClinVar (database versions not stated): gnomAD exomes 0.00001.
gnomAD v4.1: 10 of 1,612,314 alleles (0.00062%); highest among the groups gnomAD compares: Non-Finnish European, 0.00076%; no homozygotes.

Submission:

PreventionGenetics, part of Exact Sciences
Classification: Uncertain significance for CSF1R-related condition. Last evaluated: 2023-06-19. Review status: criteria provided, single submitter. Criteria: ACMG Guidelines, 2015. Collection method: clinical testing. Allele origin: germline.
Comment: The CSF1R c.1492T>C variant is predicted to result in the amino acid substitution p.Phe498Leu. To our knowledge, this variant has not been reported in the literature. This variant is reported in 0.00089% of alleles in individuals of European (Non-Finnish) descent in gnomAD. At this time, the clinical significance of this variant is uncertain due to the absence of conclusive functional and genetic evidence.